The following is an entry in ClinVar:

NM_020461.4(TUBGCP6):c.1387_1389del (p.Phe463del)

Gene: TUBGCP6 (tubulin gamma complex component 6; minus strand). Cytogenetic location: 22q13.33.
Variant type: Deletion.
Coding change: c.1387_1389del on transcript NM_020461.4 (MANE Select); coding-DNA positions 1387 to 1389, 3 bases deleted (TTC; older notation c.1387_1389delTTC).
Protein change: p.Phe463del; deletes phenylalanine 463.
Molecular consequence: inframe deletion.
Genome position (GRCh38, 1-based): chr22:50,227,930-50,227,932, GAA deleted on the plus strand (TTC on the coding strand, the reverse complement: TUBGCP6 is on the minus strand); deleting any 3 consecutive bases within chr22:50,227,930-50,227,934 gives the same sequence; the c. name uses the placement nearest the transcript's 3' end. VCF-style (leftmost placement, unchanged base first): chr22-50227929-TGAA-T. GRCh37 (hg19) VCF-style: chr22-50666358-TGAA-T.
Other names: short protein forms F463del.
Identifiers: ClinVar variation 1000550 (VCV001000550.6), dbSNP rs2064636467, ClinGen allele CA2410734607.

ClinVar aggregate classification (germline): Uncertain significance (1 of 4 stars; one submission).

Submission:

Labcorp Genetics (formerly Invitae), Labcorp
Classification: Uncertain significance. Last evaluated: 2025-11-24. Review status: criteria provided, single submitter. Criteria: Invitae Variant Classification Sherloc (09022015). Collection method: clinical testing. Allele origin: germline.
Comment: This variant, c.1387_1389del, results in the deletion of 1 amino acid(s) of the TUBGCP6 protein (p.Phe463del), but otherwise preserves the integrity of the reading frame. This variant is not present in population databases (gnomAD no frequency). This variant has not been reported in the literature in individuals affected with TUBGCP6-related conditions. ClinVar contains an entry for this variant (Variation ID: 1000550). Experimental studies and prediction algorithms are not available or were not evaluated, and the functional significance of this variant is currently unknown. In summary, the available evidence is currently insufficient to determine the role of this variant in disease. Therefore, it has been classified as a Variant of Uncertain Significance.